The following is an entry in ClinVar:

ClinVar aggregate classification (germline): Likely pathogenic (1 of 4 stars; one submission).

Conditions:
Neurofibromatosis, type 1 (NF1). Also called: Peripheral type neurofibromatosis; Neurofibromatosis, type I; NEUROFIBROMATOSIS, TYPE I, SOMATIC; VON RECKLINGHAUSEN DISEASE. Identifiers: Orphanet 636, MedGen C0027831, MONDO:0018975, OMIM 162200. Disease mechanism: loss of function.

Submission:

Institute of Human Genetics, University of Leipzig Medical Center
Classification: Likely pathogenic for Neurofibromatosis, type 1. Last evaluated: 2026-03-24. Review status: criteria provided, single submitter. Criteria: ACMG Guidelines, 2015. Collection method: clinical testing. Allele origin: de novo. Inheritance: Autosomal dominant inheritance. Affected: yes.
Comment: Criteria applied: PS2,PM2,PP3,PP4

NM_001042492.3(NF1):c.3837C>G (p.Ser1279Arg)

Gene: NF1 (neurofibromin 1; plus strand). Cytogenetic location: 17q11.2.
Variant type: single nucleotide variant.
Coding change: c.3837C>G on transcript NM_001042492.3 (MANE Select); coding-DNA position 3837, C replaced by G.
Protein change: p.Ser1279Arg; replaces serine 1279 with arginine.
Molecular consequence: missense variant.
Genome position (GRCh38, 1-based): chr17:31,235,739, C>G. VCF-style: chr17-31235739-C-G. GRCh37 (hg19) VCF-style: chr17-29562757-C-G.
Other names: c.3837C>G, p.Ser1279Arg (NM_000267.4); short protein forms S1279R.
Identifiers: ClinVar variation 4845364 (VCV004845364.1).